The following is an entry in ClinVar:

NM_005585.5(SMAD6):c.161G>T (p.Gly54Val)

Gene: SMAD6 (SMAD family member 6; plus strand). Cytogenetic location: 15q22.31.
Variant type: single nucleotide variant.
Coding change: c.161G>T on transcript NM_005585.5 (MANE Select); coding-DNA position 161, G replaced by T.
Protein change: p.Gly54Val; replaces glycine 54 with valine.
Molecular consequence: missense variant. On other transcripts: non-coding transcript variant (1).
Genome position (GRCh38, 1-based): chr15:66,703,419, G>T. VCF-style: chr15-66703419-G-T. GRCh37 (hg19) VCF-style: chr15-66995757-G-T.
Other names: short protein forms G54V.
Identifiers: ClinVar variation 2040532 (VCV002040532.4), dbSNP rs2545310790, ClinGen allele CA392948761.

ClinVar aggregate classification (germline): Uncertain significance (1 of 4 stars; one submission).

Conditions:
Aortic valve disease 2 (AOVD2). Identifiers: MedGen C3542024, MONDO:0013902, OMIM 614823.

gnomAD v4.1: 1 of 1,314,324 alleles (0.000076%); highest among the groups gnomAD compares: Non-Finnish European, 0.000097%; no homozygotes.

Submission:

Labcorp Genetics (formerly Invitae), Labcorp
Classification: Uncertain significance for Aortic valve disease 2. Last evaluated: 2022-03-16. Review status: criteria provided, single submitter. Criteria: Invitae Variant Classification Sherloc (09022015). Collection method: clinical testing. Allele origin: germline.
Comment: In summary, the available evidence is currently insufficient to determine the role of this variant in disease. Therefore, it has been classified as a Variant of Uncertain Significance. Algorithms developed to predict the effect of missense changes on protein structure and function are either unavailable or do not agree on the potential impact of this missense change (SIFT: "Deleterious"; PolyPhen-2: "Possibly Damaging"; Align-GVGD: "Class C0"). This variant has not been reported in the literature in individuals affected with SMAD6-related conditions. This variant is not present in population databases (gnomAD no frequency). This sequence change replaces glycine, which is neutral and non-polar, with valine, which is neutral and non-polar, at codon 54 of the SMAD6 protein (p.Gly54Val).